The following is an entry in ClinVar:

ClinVar aggregate classification (germline): Uncertain significance. Review status: criteria provided, multiple submitters, no conflicts (2 of 4 stars). 6 submissions from 6 submitters: Uncertain significance (5). 1 of the submissions does not count toward it. Last evaluated 2026-07-01.

Conditions:
AMACR-related disorder. Also called: AMACR-Related Disorders; AMACR-related condition.
Inborn genetic diseases. Identifiers: MedGen C0950123, MeSH D030342.
Alpha-methylacyl-CoA racemase deficiency (AMACRD). Also called: AMACR deficiency. Identifiers: Orphanet 79095, MedGen C3280428, MONDO:0013681, OMIM 614307. Disease mechanism: loss of function.

Allele frequency attached by ClinVar (database versions not stated): TOPMed 0.00003; gnomAD exomes 0.00004; ExAC 0.00005; ESP Exome Variant Server 0.00008; 1000 Genomes Project 30x 0.00016; 1000 Genomes Project 0.00020.
gnomAD v4.1: 124 of 1,608,742 alleles (0.0077%); highest among the groups gnomAD compares: Non-Finnish European, 0.0096%; no homozygotes.

Submissions (6):

CeGaT Center for Human Genetics Tuebingen
Classification: Uncertain significance. Last evaluated: 2026-07-01. Review status: criteria provided, single submitter. Criteria: CeGaT Center For Human Genetics Tuebingen Variant Classification Criteria Version 2. Collection method: clinical testing. Allele origin: germline. Affected: yes. Observed: 1 variant allele.
Comment: AMACR: PM2

Ambry Genetics
Classification: Uncertain significance for Inborn genetic diseases. Last evaluated: 2023-12-16. Review status: criteria provided, single submitter. Criteria: Ambry Variant Classification Scheme 2023. Collection method: clinical testing. Allele origin: germline.

Labcorp Genetics (formerly Invitae), Labcorp
Classification: Uncertain significance for Alpha-methylacyl-CoA racemase deficiency. Last evaluated: 2022-08-31. Review status: criteria provided, single submitter. Criteria: Invitae Variant Classification Sherloc (09022015). Collection method: clinical testing. Allele origin: germline.
Comment: This sequence change replaces valine, which is neutral and non-polar, with leucine, which is neutral and non-polar, at codon 34 of the AMACR protein (p.Val34Leu). This variant is present in population databases (rs377618695, gnomAD 0.009%). This variant has not been reported in the literature in individuals affected with AMACR-related conditions. ClinVar contains an entry for this variant (Variation ID: 903705). Algorithms developed to predict the effect of missense changes on protein structure and function are either unavailable or do not agree on the potential impact of this missense change (SIFT: "Deleterious"; PolyPhen-2: "Benign"; Align-GVGD: "Class C0"). In summary, the available evidence is currently insufficient to determine the role of this variant in disease. Therefore, it has been classified as a Variant of Uncertain Significance.

Blueprint Genetics
Classification: Uncertain significance. Last evaluated: 2022-06-03. Review status: criteria provided, single submitter. Criteria: ACMG Guidelines, 2015. Collection method: clinical testing. Allele origin: germline.

Illumina Laboratory Services, Illumina
Classification: Uncertain significance for Alpha-methylacyl-CoA racemase deficiency. Last evaluated: 2017-04-27. Review status: criteria provided, single submitter. Criteria: ICSL Variant Classification Criteria 13 December 2019. Collection method: clinical testing. Allele origin: germline.

PreventionGenetics, part of Exact Sciences
Classification: Uncertain significance for AMACR-related condition. Last evaluated: 2024-08-21. Review status: no assertion criteria provided. Collection method: clinical testing. Allele origin: germline. Not counted in ClinVar's aggregate classification.
Comment: The AMACR c.100G>C variant is predicted to result in the amino acid substitution p.Val34Leu. To our knowledge, this variant has not been reported in the literature. This variant is reported in 0.0096% of alleles in individuals of European (Non-Finnish) descent in gnomAD. At this time, the clinical significance of this variant is uncertain due to the absence of conclusive functional and genetic evidence.

NM_014324.6(AMACR):c.100G>C (p.Val34Leu)

Genes: AMACR (alpha-methylacyl-CoA racemase; minus strand), C1QTNF3-AMACR (C1QTNF3-AMACR readthrough (NMD candidate); minus strand). Cytogenetic location: 5p13.2.
Variant type: single nucleotide variant.
Coding change: c.100G>C on transcript NM_014324.6 (MANE Select); coding-DNA position 100, G replaced by C.
Protein change: p.Val34Leu; replaces valine 34 with leucine.
Molecular consequence: missense variant.
Genome position (GRCh38, 1-based): chr5:34,007,920, C>G on the plus strand (G>C on the coding strand, the complement: AMACR is on the minus strand). VCF-style: chr5-34007920-C-G. GRCh37 (hg19) VCF-style: chr5-34008025-C-G.
Other names: c.100G>C, p.Val34Leu (NM_001167595.2, NM_203382.3); short protein forms V34L.
Identifiers: ClinVar variation 903705 (VCV000903705.13), dbSNP rs377618695, ClinGen allele CA3226296.